The following is an entry in ClinVar:

NM_000548.5(TSC2):c.4585C>T (p.Arg1529Trp)

Gene: TSC2 (TSC complex subunit 2; plus strand). Cytogenetic location: 16p13.3.
Variant type: single nucleotide variant.
Coding change: c.4585C>T on transcript NM_000548.5 (MANE Select); coding-DNA position 4585, C replaced by T.
Protein change: p.Arg1529Trp; replaces arginine 1529 with tryptophan.
Molecular consequence: missense variant.
Genome position (GRCh38, 1-based): chr16:2,085,245, C>T. VCF-style: chr16-2085245-C-T. GRCh37 (hg19) VCF-style: chr16-2135246-C-T.
Other names: c.4384C>T, p.Arg1462Trp (NM_001077183.3); c.4516C>T, p.Arg1506Trp (NM_001114382.3); c.4276C>T, p.Arg1426Trp (NM_001318827.2); c.4240C>T, p.Arg1414Trp (NM_001318829.2); c.3853C>T, p.Arg1285Trp (NM_001318831.2); c.4417C>T, p.Arg1473Trp (NM_001318832.2); c.4387C>T, p.Arg1463Trp (NM_001363528.2); c.4453C>T, p.Arg1485Trp (NM_001370404.1); and 1 more; short protein forms R1529W, R1486W, R1506W, R1414W, R1463W, R1473W, R1485W, R1462W.
Identifiers: ClinVar variation 536044 (VCV000536044.16), dbSNP rs1051502900, ClinGen allele CA276754888.
Genomic context (GRCh38, chr16:2,085,245, plus strand): 5'-TGTGGACGGGCGTCTGGGGCTCAGGCAGGGCTCTGTGTGCCACAGTCACAGTCCTTTGAG[C>T]GGTCGGTGCAGCTCCTCGACCAGATCCCATCATACGACACCCACAAGATCGCCGTCCTGT-3'
Protein context (NP_000539.2, residues 1519-1539): LLPNESQSFE[Arg1529Trp]SVQLLDQIPS

ClinVar aggregate classification (germline): Conflicting classifications of pathogenicity. Review status: criteria provided, conflicting classifications (1 of 4 stars). 4 submissions from 4 submitters: Uncertain significance (3); Likely benign (1). Last evaluated 2025-12-31.

Conditions:
Hereditary cancer-predisposing syndrome. Also called: Neoplastic Syndromes, Hereditary; Tumor predisposition; Hereditary Cancer Syndrome; Hereditary neoplastic syndrome. Identifiers: Orphanet 140162, MedGen C0027672, MeSH D009386, MONDO:0015356.
Tuberous sclerosis 2 (TSC2). Identifiers: Orphanet 805, MedGen C1860707, MONDO:0013199, OMIM 613254.
Tuberous sclerosis syndrome (TSC). Also called: Tuberous Sclerosis Complex; Tuberous sclerosis. Identifiers: Orphanet 805, MedGen C0041341, MONDO:0001734.

Allele frequency attached by ClinVar (database versions not stated): TOPMed 0.00001; gnomAD 0.00002; gnomAD exomes 0.00002 and 0.00004.
gnomAD v4.1: 24 of 1,612,612 alleles (0.0015%); highest among the groups gnomAD compares: African/African-American, 0.004%; no homozygotes.

Submissions (4):

Labcorp Genetics (formerly Invitae), Labcorp
Classification: Likely benign for Tuberous sclerosis 2. Last evaluated: 2025-12-31. Review status: criteria provided, single submitter. Criteria: Invitae Variant Classification Sherloc (09022015). Collection method: clinical testing. Allele origin: germline.

Color Diagnostics, LLC DBA Color Health
Classification: Uncertain significance for Tuberous sclerosis syndrome. Last evaluated: 2025-05-28. Review status: criteria provided, single submitter. Criteria: ACMG Guidelines, 2015. Collection method: clinical testing. Allele origin: germline.
Comment: This missense variant replaces arginine with tryptophan at codon 1529 of the TSC2 protein. Computational prediction suggests that this variant may have deleterious impact on protein structure and function. To our knowledge, functional studies have not been reported for this variant. This variant has not been reported in individuals affected with TSC2-related disorders in the literature. This variant has been identified in 12/281226 chromosomes in the general population by the Genome Aggregation Database (gnomAD). The available evidence is insufficient to determine the role of this variant in disease conclusively. Therefore, this variant is classified as a Variant of Uncertain Significance.

Ambry Genetics
Classification: Uncertain significance for Hereditary cancer-predisposing syndrome. Last evaluated: 2024-01-17. Review status: criteria provided, single submitter. Criteria: Ambry Variant Classification Scheme 2023. Collection method: clinical testing. Allele origin: germline.
Comment: The p.R1529W variant (also known as c.4585C>T), located in coding exon 35 of the TSC2 gene, results from a C to T substitution at nucleotide position 4585. The arginine at codon 1529 is replaced by tryptophan, an amino acid with dissimilar properties. This amino acid position is highly conserved in available vertebrate species. In addition, this alteration is predicted to be deleterious by in silico analysis. Based on the available evidence, the clinical significance of this alteration remains unclear.

All of Us Research Program, National Institutes of Health
Classification: Uncertain significance for Tuberous sclerosis syndrome. Last evaluated: 2023-08-15. Review status: criteria provided, single submitter. Criteria: ACMG Guidelines, 2015. Collection method: clinical testing. Allele origin: germline. Inheritance: Autosomal dominant inheritance. Observed: 2 variant alleles, 2 heterozygotes.
Comment: This study involves interpretation of variants in research participants for the purpose of population health screening. Participant phenotype was not available at the time of variant classification. Additional details can be found in publication PMID: 35346344, PMCID: PMC8962531